The following is an entry in ClinVar:

NM_001605.3(AARS1):c.11C>G (p.Thr4Ser)

Gene: AARS1 (alanyl-tRNA synthetase 1; minus strand). Cytogenetic location: 16q22.1.
Variant type: single nucleotide variant.
Coding change: c.11C>G on transcript NM_001605.3 (MANE Select); coding-DNA position 11, C replaced by G.
Protein change: p.Thr4Ser; replaces threonine 4 with serine.
Molecular consequence: missense variant.
Genome position (GRCh38, 1-based): chr16:70,282,753, G>C on the plus strand (C>G on the coding strand, the complement: AARS1 is on the minus strand). VCF-style: chr16-70282753-G-C. GRCh37 (hg19) VCF-style: chr16-70316656-G-C.
Other names: short protein forms T4S.
Identifiers: ClinVar variation 5040707 (VCV005040707.1).

ClinVar aggregate classification (germline): Uncertain significance (1 of 4 stars; one submission).

Submission:

CeGaT Center for Human Genetics Tuebingen
Classification: Uncertain significance. Last evaluated: 2026-08-01. Review status: criteria provided, single submitter. Criteria: CeGaT Center For Human Genetics Tuebingen Variant Classification Criteria Version 2. Collection method: clinical testing. Allele origin: germline. Affected: yes. Observed: 1 variant allele.
Comment: AARS1: PM2, BP4